The following is an entry in ClinVar:

NM_001379659.1(ZNF142):c.2593A>G (p.Thr865Ala)

Gene: ZNF142 (zinc finger protein 142; minus strand). Cytogenetic location: 2q35.
Variant type: single nucleotide variant.
Coding change: c.2593A>G on transcript NM_001379659.1 (MANE Select); coding-DNA position 2593, A replaced by G.
Protein change: p.Thr865Ala; replaces threonine 865 with alanine.
Molecular consequence: missense variant.
Genome position (GRCh38, 1-based): chr2:218,644,523, T>C on the plus strand (A>G on the coding strand, the complement: ZNF142 is on the minus strand). VCF-style: chr2-218644523-T-C. GRCh37 (hg19) VCF-style: chr2-219509246-T-C.
Other names: c.2593A>G, p.Thr865Ala (NM_001379660.1, NM_001379661.1, NM_001366290.3); c.1993A>G, p.Thr665Ala (NM_001379662.1, NM_001105537.5, NM_001366291.3); c.1504A>G, p.Thr502Ala (NM_001366287.3, NM_001366288.3, NM_001366289.3); short protein forms T502A, T665A, T865A.
Identifiers: ClinVar variation 3369766 (VCV003369766.1).

ClinVar aggregate classification (germline): Uncertain significance (1 of 4 stars; one submission).

Submission:

GeneDx
Classification: Uncertain significance. Last evaluated: 2024-02-27. Review status: criteria provided, single submitter. Criteria: GeneDx Variant Classification Process June 2021. Collection method: clinical testing. Allele origin: germline. Affected: yes.
Comment: Not observed at significant frequency in large population cohorts (gnomAD); In silico analysis supports that this missense variant does not alter protein structure/function; Has not been previously published as pathogenic or benign to our knowledge